The following is an entry in ClinVar:

NM_000500.9(CYP21A2):c.233T>C (p.Ile78Thr)

Genes: CYP21A2 (cytochrome P450 family 21 subfamily A member 2; plus strand), LOC106780800 (CYP21A2 recombination region; plus strand). Cytogenetic location: 6p21.33.
Variant type: single nucleotide variant.
Coding change: c.233T>C on transcript NM_000500.9 (MANE Select); coding-DNA position 233, T replaced by C.
Protein change: p.Ile78Thr; replaces isoleucine 78 with threonine.
Molecular consequence: missense variant. On other transcripts: 5 prime UTR variant (1), intron variant (2).
Genome position (GRCh38, 1-based): chr6:32,038,752, T>C. VCF-style: chr6-32038752-T-C. GRCh37 (hg19) VCF-style: chr6-32006529-T-C.
Other names: c.-192T>C (NM_001368143.2); c.-133+128T>C (NM_001368144.2); c.202+128T>C (NM_001128590.4); short protein forms I78T.
Identifiers: ClinVar variation 3032291 (VCV003032291.3), dbSNP rs1333278223, ClinGen allele CA363499796.

ClinVar aggregate classification (germline): Pathogenic. Review status: criteria provided, single submitter (1 of 4 stars). 2 submissions from 2 submitters: Pathogenic (1). 1 of the submissions does not count toward it. Last evaluated 2024-05-03.

Conditions:
CYP21A2-related disorder. Also called: CYP21A2-related condition.
Congenital adrenal hyperplasia. Identifiers: Orphanet 418, MedGen C0001627, MONDO:0018479, HP:0008258.

Allele frequency attached by ClinVar (database versions not stated): gnomAD exomes below 0.00001; gnomAD 0.00001.

Submissions (2):

Women's Health and Genetics/Laboratory Corporation of America, LabCorp
Classification: Pathogenic for Congenital adrenal hyperplasia. Last evaluated: 2024-05-03. Review status: criteria provided, single submitter. Criteria: LabCorp Variant Classification Summary - May 2015. Collection method: clinical testing. Allele origin: germline.
Comment: Variant summary: CYP21A2 c.233T>C (p.Ile78Thr) results in a non-conservative amino acid change in the encoded protein sequence. Three of five in-silico tools predict a damaging effect of the variant on protein function. The variant allele was found at a frequency of 1.4e-06 in 1419630 control chromosomes (gnomAD). c.233T>C has been reported in the literature in multiple individuals affected with Congenital Adrenal Hyperplasia (e.g. Krone_2005, Tardy_2010). These data indicate that the variant is very likely to be associated with disease. At least one publication reports experimental evidence evaluating an impact on protein function, finding that the variant results in <10% of normal enzymatic activity (Krone_2005). The following publications have been ascertained in the context of this evaluation (PMID: 15483094, 20080860). ClinVar contains an entry for this variant (Variation ID: 3032291). Based on the evidence outlined above, the variant was classified as pathogenic.

PreventionGenetics, part of Exact Sciences
Classification: Pathogenic for CYP21A2-related condition. Last evaluated: 2024-01-18. Review status: no assertion criteria provided. Collection method: clinical testing. Allele origin: germline. Not counted in ClinVar's aggregate classification.
Comment: The CYP21A2 c.233T>C variant is predicted to result in the amino acid substitution p.Ile78Thr. This variant is associated with simple-virilizing (SV) congenital adrenal hyperplasia (CAH) (also known as I77T; Finkielstain et al. 2011. PubMed ID: 20926536; Krone et al. 2005. PubMed ID: 15483094; Haider et al. 2013. PubMed ID: 23359706). This variant has not been reported in a large population database, indicating this variant is rare. This variant is interpreted as pathogenic.

Literature cited by the submitters: PubMed 15483094 (cited by Women's Health and Genetics/Laboratory Corporation of America, LabCorp); PubMed 20080860 (cited by Women's Health and Genetics/Laboratory Corporation of America, LabCorp).